The following is an entry in ClinVar:

ClinVar aggregate classification (germline): Likely benign. Review status: criteria provided, multiple submitters, no conflicts (2 of 4 stars). 5 submissions from 5 submitters: Likely benign (5). Last evaluated 2026-03-27.

Conditions:
Shprintzen-Goldberg syndrome (SGS). Also called: Marfanoid disorder with craniosynostosis type 1; Marfanoid craniosynostosis syndrome; Shprintzen-Goldberg marfanoid syndrome; SHPRINTZEN-GOLDBERG CRANIOSYNOSTOSIS SYNDROME; CRANIOSYNOSTOSIS WITH ARACHNODACTYLY AND ABDOMINAL HERNIAS. Identifiers: Orphanet 2462, MedGen C1321551, MONDO:0008426, OMIM 182212.
Familial thoracic aortic aneurysm and aortic dissection (TAAD). Also called: Thoracic aortic aneurysms and dissections. Identifiers: Orphanet 91387, MedGen C4707243, MONDO:0019625.

Allele frequency attached by ClinVar (database versions not stated): gnomAD exomes 0.00009; ExAC 0.00012; gnomAD 0.00024 and 0.00026; TOPMed 0.00036; ESP Exome Variant Server 0.00039; 1000 Genomes Project 0.00040; 1000 Genomes Project 30x 0.00047.
gnomAD v4.1: 117 of 1,611,784 alleles (0.0073%); highest among the groups gnomAD compares: African/African-American, 0.083%; no homozygotes.

Submissions (5):

Molecular Diagnostic Laboratory for Inherited Cardiovascular Disease, Montreal Heart Institute
Classification: Likely benign. Last evaluated: 2026-03-27. Review status: criteria provided, single submitter. Criteria: ACMG Guidelines, 2015. Collection method: clinical testing. Allele origin: germline. Affected: no.
Comment: BP7

Labcorp Genetics (formerly Invitae), Labcorp
Classification: Likely benign for Shprintzen-Goldberg syndrome. Last evaluated: 2026-01-06. Review status: criteria provided, single submitter. Criteria: Invitae Variant Classification Sherloc (09022015). Collection method: clinical testing. Allele origin: germline.

ARUP Laboratories, Molecular Genetics and Genomics, ARUP Laboratories
Classification: Likely benign for Shprintzen-Goldberg syndrome. Last evaluated: 2024-03-25. Review status: criteria provided, single submitter. Criteria: ARUP Molecular Germline Variant Investigation Process 2024. Collection method: clinical testing. Allele origin: germline.

CeGaT Center for Human Genetics Tuebingen
Classification: Likely benign. Last evaluated: 2022-11-01. Review status: criteria provided, single submitter. Criteria: CeGaT Center For Human Genetics Tuebingen Variant Classification Criteria Version 2. Collection method: clinical testing. Allele origin: germline. Affected: yes. Observed: 1 variant allele.
Comment: SKI: BP4, BP7

Ambry Genetics
Classification: Likely benign for Familial thoracic aortic aneurysm and aortic dissection. Last evaluated: 2016-01-12. Review status: criteria provided, single submitter. Criteria: Ambry Variant Classification Scheme 2023. Collection method: clinical testing. Allele origin: germline.

NM_003036.4(SKI):c.1302G>A (p.Pro434=)

Gene: SKI (SKI proto-oncogene; plus strand). Cytogenetic location: 1p36.32.
Variant type: single nucleotide variant.
Coding change: c.1302G>A on transcript NM_003036.4 (MANE Select); coding-DNA position 1302, G replaced by A.
Protein change: p.Pro434=; no amino-acid change (proline 434 retained).
Molecular consequence: synonymous variant.
Genome position (GRCh38, 1-based): chr1:2,303,930, G>A. VCF-style: chr1-2303930-G-A. GRCh37 (hg19) VCF-style: chr1-2235369-G-A.
Identifiers: ClinVar variation 520148 (VCV000520148.44), dbSNP rs111459205, ClinGen allele CA536663.